The following is an entry in ClinVar:

NM_000179.3(MSH6):c.3949C>G (p.His1317Asp)

Gene: MSH6 (mutS homolog 6; plus strand). Cytogenetic location: 2p16.3.
Variant type: single nucleotide variant.
Coding change: c.3949C>G on transcript NM_000179.3 (MANE Select); coding-DNA position 3949, C replaced by G.
Protein change: p.His1317Asp; replaces histidine 1317 with aspartic acid.
Molecular consequence: missense variant.
Genome position (GRCh38, 1-based): chr2:47,806,599, C>G. VCF-style: chr2-47806599-C-G. GRCh37 (hg19) VCF-style: chr2-48033738-C-G.
Other names: c.3559C>G, p.His1187Asp (NM_001281492.2); c.3043C>G, p.His1015Asp (NM_001281493.2, NM_001281494.2); short protein forms H1317D, H1187D, H1015D.
Identifiers: ClinVar variation 410463 (VCV000410463.28), dbSNP rs759092293, ClinGen allele CA072360.

ClinVar aggregate classification (germline): Conflicting classifications of pathogenicity. Review status: criteria provided, conflicting classifications (1 of 4 stars). 7 submissions from 7 submitters: Uncertain significance (4); Likely benign (2). 1 of the submissions does not count toward it. Last evaluated 2025-12-08.

Conditions:
Lynch syndrome 5 (LYNCH5). Also called: Hereditary non-polyposis colorectal cancer, type 5; Colorectal cancer, hereditary nonpolyposis, type 5. Identifiers: Orphanet 144, MedGen C1833477, MONDO:0013710, OMIM 614350. Disease mechanism: loss of function.
Hereditary cancer-predisposing syndrome. Also called: Tumor predisposition; Hereditary Cancer Syndrome; Hereditary neoplastic syndrome; Neoplastic Syndromes, Hereditary. Identifiers: Orphanet 140162, MedGen C0027672, MeSH D009386, MONDO:0015356.
Endometrial carcinoma. Also called: Endometrial carcinoma, somatic. Identifiers: MedGen C0476089, MONDO:0002447, OMIM 608089, HP:0012114.
Hereditary nonpolyposis colorectal neoplasms. Identifiers: MedGen C0009405, MeSH D003123.

Allele frequency attached by ClinVar (database versions not stated): TOPMed below 0.00001; ExAC 0.00001; gnomAD 0.00001; gnomAD exomes 0.00001.
gnomAD v4.1: 6 of 1,612,838 alleles (0.00037%); highest among the groups gnomAD compares: Non-Finnish European, 0.00051%; no homozygotes.

Submissions (7):

Labcorp Genetics (formerly Invitae), Labcorp
Classification: Likely benign for Hereditary nonpolyposis colorectal neoplasms. Last evaluated: 2025-12-08. Review status: criteria provided, single submitter. Criteria: Invitae Variant Classification Sherloc (09022015). Collection method: clinical testing. Allele origin: germline.

Ambry Genetics
Classification: Uncertain significance for Hereditary cancer-predisposing syndrome. Last evaluated: 2024-12-16. Review status: criteria provided, single submitter. Criteria: Ambry Variant Classification Scheme 2023. Collection method: clinical testing. Allele origin: germline.
Comment: The p.H1317D variant (also known as c.3949C>G), located in coding exon 9 of the MSH6 gene, results from a C to G substitution at nucleotide position 3949. The histidine at codon 1317 is replaced by aspartic acid, an amino acid with similar properties. This amino acid position is highly conserved in available vertebrate species. In addition, this alteration is predicted to be deleterious by in silico analysis. Since supporting evidence is limited at this time, the clinical significance of this alteration remains unclear.

Myriad Genetics, Inc.
Classification: Likely benign for Lynch syndrome 5. Last evaluated: 2024-11-06. Review status: criteria provided, single submitter. Criteria: Myriad Autosomal Dominant, Autosomal Recessive and X-Linked Classification Criteria (2023). Collection method: clinical testing. Allele origin: unknown.
Comment: This variant is considered likely benign. This variant is strongly associated with less severe personal and family histories of cancer, typical for individuals without pathogenic variants in this gene [PMID: 27363726].

Color Diagnostics, LLC DBA Color Health
Classification: Uncertain significance for Hereditary cancer-predisposing syndrome. Last evaluated: 2024-03-06. Review status: criteria provided, single submitter. Criteria: ACMG Guidelines, 2015. Collection method: clinical testing. Allele origin: germline.
Comment: This missense variant replaces histidine with aspartic acid at codon 1317 of the MSH6 protein. Computational prediction suggests that this variant may have deleterious impact on protein structure and function (internally defined REVEL score threshold >= 0.7, PMID: 27666373). To our knowledge, functional studies have not been reported for this variant. This variant has not been reported in individuals affected with MSH6-related disorders in the literature. This variant has been identified in 3/249246 chromosomes in the general population by the Genome Aggregation Database (gnomAD). The available evidence is insufficient to determine the role of this variant in disease conclusively. Therefore, this variant is classified as a Variant of Uncertain Significance.

Baylor Genetics
Classification: Uncertain significance for Endometrial carcinoma. Last evaluated: 2023-07-03. Review status: criteria provided, single submitter. Criteria: ACMG Guidelines, 2015. Collection method: clinical testing. Allele origin: unknown.

GeneDx
Classification: Uncertain significance. Last evaluated: 2021-01-13. Review status: criteria provided, single submitter. Criteria: GeneDx Variant Classification Process June 2021. Collection method: clinical testing. Allele origin: germline. Affected: yes.
Comment: Not observed at a significant frequency in large population cohorts (Lek 2016); In silico analysis supports that this missense variant has a deleterious effect on protein structure/function; Has not been previously published as pathogenic or benign to our knowledge

Counsyl
Classification: Uncertain significance for Lynch syndrome 5. Last evaluated: 2017-11-01. Review status: no assertion criteria provided. Collection method: clinical testing. Allele origin: unknown. Not counted in ClinVar's aggregate classification.

Literature cited by the submitters: PubMed 27363726 (cited by Myriad Genetics, Inc.).